The following is an entry in ClinVar:

NM_022454.4(SOX17):c.192C>T (p.Gly64=)

Gene: SOX17 (SRY-box transcription factor 17; plus strand). Cytogenetic location: 8q11.23.
Variant type: single nucleotide variant.
Coding change: c.192C>T on transcript NM_022454.4 (MANE Select); coding-DNA position 192, C replaced by T.
Protein change: p.Gly64=; no amino-acid change (glycine 64 retained).
Molecular consequence: synonymous variant.
Genome position (GRCh38, 1-based): chr8:54,458,330, C>T. VCF-style: chr8-54458330-C-T. GRCh37 (hg19) VCF-style: chr8-55370890-C-T.
Identifiers: ClinVar variation 1422723 (VCV001422723.8), dbSNP rs1804670937, ClinGen allele CA460919041.

ClinVar aggregate classification (germline): Uncertain significance (1 of 4 stars; one submission).

Submission:

Labcorp Genetics (formerly Invitae), Labcorp
Classification: Uncertain significance. Last evaluated: 2021-04-20. Review status: criteria provided, single submitter. Criteria: Invitae Variant Classification Sherloc (09022015). Collection method: clinical testing. Allele origin: germline.
Comment: This sequence change affects codon 64 of the SOX17 mRNA. It is a 'silent' change, meaning that it does not change the encoded amino acid sequence of the SOX17 protein. This variant is not present in population databases (ExAC no frequency). This variant has not been reported in the literature in individuals with SOX17-related conditions. Algorithms developed to predict the effect of sequence changes on RNA splicing suggest that this variant may create or strengthen a splice site, but this prediction has not been confirmed by published transcriptional studies. In summary, the available evidence is currently insufficient to determine the role of this variant in disease. Therefore, it has been classified as a Variant of Uncertain Significance.